The following is an entry in ClinVar:

NM_025114.4(CEP290):c.4496A>T (p.Asp1499Val)

Gene: CEP290 (centrosomal protein 290; minus strand). Cytogenetic location: 12q21.32.
Variant type: single nucleotide variant.
Coding change: c.4496A>T on transcript NM_025114.4 (MANE Select); coding-DNA position 4496, A replaced by T.
Protein change: p.Asp1499Val; replaces aspartic acid 1499 with valine.
Molecular consequence: missense variant.
Genome position (GRCh38, 1-based): chr12:88,084,794, T>A on the plus strand (A>T on the coding strand, the complement: CEP290 is on the minus strand). VCF-style: chr12-88084794-T-A. GRCh37 (hg19) VCF-style: chr12-88478571-T-A.
Other names: short protein forms D1499V.
Identifiers: ClinVar variation 1009556 (VCV001009556.3), dbSNP rs2036455482, ClinGen allele CA385995548.

ClinVar aggregate classification (germline): Uncertain significance. Review status: criteria provided, multiple submitters, no conflicts (2 of 4 stars). 2 submissions from 2 submitters: Uncertain significance (2). Last evaluated 2024-01-08.

Conditions:
Joubert syndrome. Also called: Familial aplasia of the vermis; CEREBELLOPARENCHYMAL DISORDER IV; JOUBERT-BOLTSHAUSER SYNDROME. Identifiers: Orphanet 475, MedGen C5979921, MONDO:0018772.
Meckel-Gruber syndrome. Also called: Dysencephalia splachnocystica; DYSENCEPHALIA SPLANCHNOCYSTICA; GRUBER SYNDROME. Identifiers: Orphanet 564, MedGen C0265215, MONDO:0018921.
Nephronophthisis. Also called: Juvenile Nephronophthisis. Identifiers: Orphanet 655, MedGen C0687120, MONDO:0019005, HP:0000090.
Leber congenital amaurosis 10 (LCA10). Identifiers: Orphanet 65, MedGen C1857821, MONDO:0012723, OMIM 611755.
Meckel syndrome, type 4 (MKS4). Also called: MECKEL-GRUBER SYNDROME, TYPE 4. Identifiers: Orphanet 564, MedGen C1970161, MONDO:0012626, OMIM 611134.
Joubert syndrome 5 (JBTS5). Identifiers: Orphanet 2318, MedGen C1857780, MONDO:0012432, OMIM 610188.
Bardet-Biedl syndrome 14 (BBS14). Identifiers: Orphanet 110, MedGen C2673874, MONDO:0014442, OMIM 615991.
Senior-Loken syndrome 6 (SLSN6). Identifiers: Orphanet 3156, MedGen C1857779, MONDO:0012433, OMIM 610189.

Submissions (2):

Fulgent Genetics
Classification: Uncertain significance for Joubert syndrome 5; Senior-Loken syndrome 6; Meckel syndrome, type 4; Leber congenital amaurosis 10; Bardet-Biedl syndrome 14. Last evaluated: 2024-01-08. Review status: criteria provided, single submitter. Criteria: ACMG Guidelines, 2015. Collection method: clinical testing. Allele origin: germline.

Labcorp Genetics (formerly Invitae), Labcorp
Classification: Uncertain significance for Joubert syndrome; Meckel-Gruber syndrome; Nephronophthisis. Last evaluated: 2022-07-18. Review status: criteria provided, single submitter. Criteria: Invitae Variant Classification Sherloc (09022015). Collection method: clinical testing. Allele origin: germline.
Comment: This sequence change replaces aspartic acid, which is acidic and polar, with valine, which is neutral and non-polar, at codon 1499 of the CEP290 protein (p.Asp1499Val). This variant is not present in population databases (gnomAD no frequency). This variant has not been reported in the literature in individuals affected with CEP290-related conditions. ClinVar contains an entry for this variant (Variation ID: 1009556). Algorithms developed to predict the effect of missense changes on protein structure and function are either unavailable or do not agree on the potential impact of this missense change (SIFT: "Deleterious"; PolyPhen-2: "Probably Damaging"; Align-GVGD: "Class C0"). In summary, the available evidence is currently insufficient to determine the role of this variant in disease. Therefore, it has been classified as a Variant of Uncertain Significance.